The following is an entry in ClinVar:

ClinVar aggregate classification (germline): Uncertain significance (1 of 4 stars; one submission).

Conditions:
Rhabdomyolysis-myalgia syndrome. Identifiers: MedGen CN372132, MONDO:0850415.

gnomAD v4.1: 1 of 1,614,058 alleles (0.000062%); highest among the groups gnomAD compares: East Asian, 0.0022%; no homozygotes.

Submission:

Clinical Omics and Informatics (COIN) Unit, Neuroscience Institute, University Of Cape Town
Classification: Uncertain significance for Rhabdomyolysis-myalgia syndrome. Last evaluated: 2025-05-14. Review status: criteria provided, single submitter. Criteria: ACMG Guidelines, 2015. Collection method: research. Allele origin: germline. Inheritance: Autosomal dominant inheritance. Affected: yes. Observed: 1 variant allele, 1 heterozygote.
Comment: Variant curated according to the ClinGen Congenital Myopathies Expert Panel Specifications to the ACMG/AMP Variant Interpretation Guidelines for RYR1 Version 2.0.0 (12/12/2024). PM2 Met: The highest population allele frequency in gnomAD v4.0 is 0.00002229 (0.0022%; 1/44868 alleles in the East Asian population). No homozygous observations. The variant is absent from the AGVD database. PP3 Not Met: Revel score is 0.64. PP2 not evaluated: RYR1 is not a gene that is constrained for missense variation. Hence PP2 is not applicable. Sequencing funded by the International Centre for Genomic Medicine in Neuromuscular Diseases (ICGNMD).

NM_000540.3(RYR1):c.2321G>A (p.Gly774Glu)

Gene: RYR1 (ryanodine receptor 1; plus strand). Cytogenetic location: 19q13.2.
Variant type: single nucleotide variant.
Coding change: c.2321G>A on transcript NM_000540.3 (MANE Select); coding-DNA position 2321, G replaced by A.
Protein change: p.Gly774Glu; replaces glycine 774 with glutamic acid.
Molecular consequence: missense variant.
Genome position (GRCh38, 1-based): chr19:38,459,299, G>A. VCF-style: chr19-38459299-G-A. GRCh37 (hg19) VCF-style: chr19-38949939-G-A.
Other names: c.2321G>A, p.Gly774Glu (NM_001042723.2); short protein forms G774E.
Identifiers: ClinVar variation 4072842 (VCV004072842.1).